The following is an entry in ClinVar:

ClinVar aggregate classification (germline): Pathogenic. Review status: criteria provided, multiple submitters, no conflicts (2 of 4 stars). 3 submissions from 3 submitters: Pathogenic (2). 1 of the submissions does not count toward it. Last evaluated 2026-01-06.

Conditions:
Phenylketonuria (PKU). Also called: Phenylketonurias; Phenylketonuria (PKU); OLIGOPHRENIA PHENYLPYRUVICA; FOLLING DISEASE. Identifiers: Orphanet 716, MedGen C0031485, MONDO:0009861, OMIM 261600. Disease mechanism: loss of function.

Submissions (3):

Labcorp Genetics (formerly Invitae), Labcorp
Classification: Pathogenic for Phenylketonuria. Last evaluated: 2026-01-06. Review status: criteria provided, single submitter. Criteria: Invitae Variant Classification Sherloc (09022015). Collection method: clinical testing. Allele origin: germline.
Comment: This sequence change falls in intron 11 of the PAH gene. It does not directly change the encoded amino acid sequence of the PAH protein. This variant is not present in population databases (gnomAD no frequency). This variant has been observed in individual(s) with hyperphenylalaninemia (PMID: 36849017). In at least one individual the data is consistent with being in trans (on the opposite chromosome) from a pathogenic variant. ClinVar contains an entry for this variant (Variation ID: 1120176). Studies have shown that this variant alters mRNA splicing and is expected to lead to the loss of protein expression (PMID: 34747549). For these reasons, this variant has been classified as Pathogenic.

Juno Genomics, Hangzhou Juno Genomics, Inc
Classification: Pathogenic for Phenylketonuria. Review status: criteria provided, single submitter. Criteria: ACMG Guidelines, 2015. Collection method: clinical testing. Allele origin: germline. Affected: yes.
Comment: Absent from controls (or at extremely low frequency if recessive) in Genome Aggregation Database.;Null variant in a gene where loss of function (LOF) is a known mechanism of disease.;For recessive disorders, detected in trans with a pathogenic variant.;Patient's phenotype or family history is highly specific for a disease with a single genetic etiology.

Beijing Obstetrics and Gynecology Hospital, Capital Medical University
Classification: Pathogenic for Phenylketonuria. Last evaluated: 2021-05-20. Review status: no assertion criteria provided. Collection method: clinical testing. Allele origin: germline. Affected: yes. Not counted in ClinVar's aggregate classification.

Literature cited by the submitters: PubMed 36849017 (cited by Labcorp Genetics (formerly Invitae), Labcorp); PubMed 34747549 (cited by Labcorp Genetics (formerly Invitae), Labcorp).

NM_000277.3(PAH):c.1199+502A>T

Gene: PAH (phenylalanine hydroxylase; minus strand). Cytogenetic location: 12q23.2.
Variant type: single nucleotide variant.
Coding change: c.1199+502A>T on transcript NM_000277.3 (MANE Select); 502 bases into the intron after coding-DNA position 1199, A replaced by T.
Molecular consequence: intron variant.
Genome position (GRCh38, 1-based): chr12:102,843,144, T>A on the plus strand (A>T on the coding strand, the complement: PAH is on the minus strand). VCF-style: chr12-102843144-T-A. GRCh37 (hg19) VCF-style: chr12-103236922-T-A.
Other names: c.1199+502A>T (NM_001354304.2).
Identifiers: ClinVar variation 1120176 (VCV001120176.3), dbSNP rs2136634974, ClinGen allele CA2499221391.